The following is an entry in ClinVar:

ClinVar aggregate classification (germline): Pathogenic (1 of 4 stars; one submission).

Conditions:
Glycogen storage disease type III (GSD3). Also called: FORBES DISEASE; Cori disease. Identifiers: Orphanet 366, MedGen C0017922, MONDO:0009291, OMIM 232400.

Submission:

Myriad Genetics, Inc.
Classification: Pathogenic for Glycogen storage disease type III. Last evaluated: 2026-03-31. Review status: criteria provided, single submitter. Criteria: Myriad Autosomal Dominant, Autosomal Recessive and X-Linked Classification Criteria (2023). Collection method: clinical testing. Allele origin: unknown.
Comment: NM_000642.2(AGL):c.3673delC(Q1225Rfs*2) is expected to be pathogenic in the context of glycogen storage disease type III. This variant is predicted to lead to an abnormal or absent protein product due to the creation of a premature termination codon in AGL, a gene where loss-of-function variants are known to be pathogenic. Please note: this variant was assessed in the context of healthy population screening.

NM_000642.3(AGL):c.3673del (p.Gln1225fs)

Gene: AGL (amylo-alpha-1,6-glucosidase and 4-alpha-glucanotransferase; plus strand). Cytogenetic location: 1p21.2.
Variant type: Deletion.
Coding change: c.3673del on transcript NM_000642.3 (MANE Select); coding-DNA position 3673, one base deleted (C; older notation c.3673delC).
Protein change: p.Gln1225fs; shifts the reading frame from glutamine 1225.
Molecular consequence: frameshift variant.
Genome position (GRCh38, 1-based): chr1:99,902,767, C deleted; the last of 4 consecutive C bases (chr1:99,902,764-99,902,767); deleting any one gives the same sequence. VCF-style (leftmost placement, unchanged base first): chr1-99902763-TC-T. GRCh37 (hg19) VCF-style: chr1-100368319-TC-T.
Other names: c.3673del, p.Gln1225fs (NM_000028.3, NM_000643.3, NM_000644.3 and 1 more transcripts); c.3625del, p.Gln1209fs (NM_000646.3); c.3652del, p.Gln1218fs (NM_001425326.1); c.3472del, p.Gln1158fs (NM_001425327.1); c.3469del, p.Gln1157fs (NM_001425328.1); c.3334del, p.Gln1112fs (NM_001425329.1); c.3295del, p.Gln1099fs (NM_001425332.1); short protein forms Q1099fs, Q1112fs, Q1157fs, Q1158fs, Q1209fs, Q1218fs, Q1225fs.
Identifiers: ClinVar variation 5015750 (VCV005015750.1).